The following is an entry in ClinVar:

NM_000065.5(C6):c.2335_2336del (p.Gln779fs)

Gene: C6 (complement C6; minus strand). Cytogenetic location: 5p13.1.
Variant type: Deletion.
Coding change: c.2335_2336del on transcript NM_000065.5 (MANE Select); coding-DNA positions 2335 to 2336, 2 bases deleted (CA; older notation c.2335_2336delCA).
Protein change: p.Gln779fs; shifts the reading frame from glutamine 779.
Molecular consequence: frameshift variant.
Genome position (GRCh38, 1-based): chr5:41,149,980-41,149,981, TG deleted on the plus strand (CA on the coding strand, the reverse complement: C6 is on the minus strand); deleting any 2 consecutive bases within chr5:41,149,980-41,149,982 gives the same sequence; the c. name uses the placement nearest the transcript's 3' end. VCF-style (leftmost placement, unchanged base first): chr5-41149979-TTG-T. GRCh37 (hg19) VCF-style: chr5-41150081-TTG-T.
Other names: c.2335_2336del, p.Gln779fs (NM_001115131.4); short protein forms Q779fs.
Identifiers: ClinVar variation 1355115 (VCV001355115.29), dbSNP rs771792933, ClinGen allele CA3252146.

ClinVar aggregate classification (germline): Pathogenic/Likely pathogenic. Review status: criteria provided, multiple submitters, no conflicts (2 of 4 stars). 3 submissions from 3 submitters: Pathogenic (1); Likely pathogenic (2). Last evaluated 2026-01-21.

Conditions:
Complement component 6 deficiency (C6D). Also called: C6 DEFICIENCY. Identifiers: MedGen C2676232, MONDO:0012908, OMIM 612446.

Submissions (3):

Labcorp Genetics (formerly Invitae), Labcorp
Classification: Pathogenic. Last evaluated: 2026-01-21. Review status: criteria provided, single submitter. Criteria: Invitae Variant Classification Sherloc (09022015). Collection method: clinical testing. Allele origin: germline.
Comment: This sequence change creates a premature translational stop signal (p.Gln779Ilefs*4) in the C6 gene. It is expected to result in an absent or disrupted protein product. Loss-of-function variants in C6 are known to be pathogenic (PMID: 17257682). This variant is present in population databases (rs771792933, gnomAD 0.002%). This variant has not been reported in the literature in individuals affected with C6-related conditions. ClinVar contains an entry for this variant (Variation ID: 1355115). For these reasons, this variant has been classified as Pathogenic.

CeGaT Center for Human Genetics Tuebingen
Classification: Likely pathogenic. Last evaluated: 2022-11-01. Review status: criteria provided, single submitter. Criteria: CeGaT Center For Human Genetics Tuebingen Variant Classification Criteria Version 2. Collection method: clinical testing. Allele origin: germline. Affected: yes. Observed: 1 variant allele.
Comment: C6: PVS1

Fulgent Genetics
Classification: Likely pathogenic for Complement component 6 deficiency. Last evaluated: 2022-04-13. Review status: criteria provided, single submitter. Criteria: ACMG Guidelines, 2015. Collection method: clinical testing. Allele origin: unknown.

Literature cited by the submitters: PubMed 17257682 (cited by Labcorp Genetics (formerly Invitae), Labcorp).